The following is an entry in ClinVar:

ClinVar aggregate classification (germline): Uncertain significance (1 of 4 stars; one submission).

Submission:

Greenwood Genetic Center Diagnostic Laboratories, Greenwood Genetic Center
Classification: Uncertain significance. Last evaluated: 2023-05-09. Review status: criteria provided, single submitter. Criteria: ACMG Guidelines, 2015. Collection method: clinical testing. Allele origin: germline. Affected: yes.
Comment: PP3

NM_004484.4(GPC3):c.337+7297G>T

Gene: GPC3 (glypican 3; minus strand). Cytogenetic location: Xq26.2.
Variant type: single nucleotide variant.
Coding change: c.337+7297G>T on transcript NM_004484.4 (MANE Select); 7297 bases into the intron after coding-DNA position 337, G replaced by T.
Molecular consequence: intron variant.
Genome position (GRCh38, 1-based): chrX:133,945,753, C>A on the plus strand (G>T on the coding strand, the complement: GPC3 is on the minus strand). VCF-style: chrX-133945753-C-A. GRCh37 (hg19) VCF-style: chrX-133079780-C-A.
Other names: c.175+39522G>T (NM_001164619.2); c.289+7345G>T (NM_001164618.2); c.337+7297G>T (NM_001164617.2).
Identifiers: ClinVar variation 2572200 (VCV002572200.1), dbSNP rs1421010322, ClinGen allele CA644544864.